The following is an entry in ClinVar:

NM_005445.4(SMC3):c.1534A>G (p.Ile512Val)

Gene: SMC3 (structural maintenance of chromosomes 3; plus strand). Cytogenetic location: 10q25.2.
Variant type: single nucleotide variant.
Coding change: c.1534A>G on transcript NM_005445.4 (MANE Select); coding-DNA position 1534, A replaced by G.
Protein change: p.Ile512Val; replaces isoleucine 512 with valine.
Molecular consequence: missense variant.
Genome position (GRCh38, 1-based): chr10:110,590,436, A>G. VCF-style: chr10-110590436-A-G. GRCh37 (hg19) VCF-style: chr10-112350194-A-G.
Other names: short protein forms I512V.
Identifiers: ClinVar variation 3363225 (VCV003363225.1).

ClinVar aggregate classification (germline): Uncertain significance (1 of 4 stars; one submission).

gnomAD v4.1: 1 of 1,614,088 alleles (0.000062%); no homozygotes.

Submission:

GeneDx
Classification: Uncertain significance. Last evaluated: 2023-10-25. Review status: criteria provided, single submitter. Criteria: GeneDx Variant Classification Process June 2021. Collection method: clinical testing. Allele origin: germline. Affected: yes.
Comment: Not observed at significant frequency in large population cohorts (gnomAD); In silico analysis supports that this missense variant does not alter protein structure/function; Has not been previously published as pathogenic or benign to our knowledge